The following is an entry in ClinVar:

NM_175875.5(SIX5):c.1000C>G (p.Pro334Ala)

Genes: SIX5 (SIX homeobox 5; minus strand), LOC107075317 (origin of replication in DMPK trinucleotide repeat region; plus strand). Cytogenetic location: 19q13.32.
Variant type: single nucleotide variant.
Coding change: c.1000C>G on transcript NM_175875.5 (MANE Select); coding-DNA position 1000, C replaced by G.
Protein change: p.Pro334Ala; replaces proline 334 with alanine.
Molecular consequence: missense variant.
Genome position (GRCh38, 1-based): chr19:45,766,959, G>C on the plus strand (C>G on the coding strand, the complement: SIX5 is on the minus strand). VCF-style: chr19-45766959-G-C. GRCh37 (hg19) VCF-style: chr19-46270217-G-C.
Other names: short protein forms P334A.
Identifiers: ClinVar variation 2012657 (VCV002012657.4), dbSNP rs368919157, ClinGen allele CA406419984.

ClinVar aggregate classification (germline): Uncertain significance (1 of 4 stars; one submission).

gnomAD v4.1: 2 of 1,587,964 alleles (0.00013%); highest among the groups gnomAD compares: Non-Finnish European, 0.00017%; no homozygotes.

Submission:

Labcorp Genetics (formerly Invitae), Labcorp
Classification: Uncertain significance. Last evaluated: 2022-09-01. Review status: criteria provided, single submitter. Criteria: Invitae Variant Classification Sherloc (09022015). Collection method: clinical testing. Allele origin: germline.
Comment: This sequence change replaces proline, which is neutral and non-polar, with alanine, which is neutral and non-polar, at codon 334 of the SIX5 protein (p.Pro334Ala). This variant is not present in population databases (gnomAD no frequency). In summary, the available evidence is currently insufficient to determine the role of this variant in disease. Therefore, it has been classified as a Variant of Uncertain Significance. Algorithms developed to predict the effect of missense changes on protein structure and function are either unavailable or do not agree on the potential impact of this missense change (SIFT: "Deleterious"; PolyPhen-2: "Benign"; Align-GVGD: "Class C0"). This variant has not been reported in the literature in individuals affected with SIX5-related conditions.